The following is an entry in ClinVar:

NM_003737.4(DCHS1):c.467C>T (p.Thr156Ile)

Gene: DCHS1 (dachsous cadherin-related 1; minus strand). Cytogenetic location: 11p15.4.
Variant type: single nucleotide variant.
Coding change: c.467C>T on transcript NM_003737.4 (MANE Select); coding-DNA position 467, C replaced by T.
Protein change: p.Thr156Ile; replaces threonine 156 with isoleucine.
Molecular consequence: missense variant.
Genome position (GRCh38, 1-based): chr11:6,641,147, G>A on the plus strand (C>T on the coding strand, the complement: DCHS1 is on the minus strand). VCF-style: chr11-6641147-G-A. GRCh37 (hg19) VCF-style: chr11-6662378-G-A.
Other names: short protein forms T156I.
Identifiers: ClinVar variation 1974308 (VCV001974308.5), dbSNP rs1246053165, ClinGen allele CA379442569.

ClinVar aggregate classification (germline): Uncertain significance (1 of 4 stars; one submission).

Allele frequency attached by ClinVar (database versions not stated): gnomAD exomes below 0.00001.
gnomAD v4.1: 2 of 1,613,734 alleles (0.00012%); highest among the groups gnomAD compares: East Asian, 0.0022%; no homozygotes.

Submission:

Labcorp Genetics (formerly Invitae), Labcorp
Classification: Uncertain significance. Last evaluated: 2022-05-17. Review status: criteria provided, single submitter. Criteria: Invitae Variant Classification Sherloc (09022015). Collection method: clinical testing. Allele origin: germline.
Comment: This sequence change replaces threonine, which is neutral and polar, with isoleucine, which is neutral and non-polar, at codon 156 of the DCHS1 protein (p.Thr156Ile). This variant is present in population databases (no rsID available, gnomAD 0.006%). This variant has not been reported in the literature in individuals affected with DCHS1-related conditions. Advanced modeling of protein sequence and biophysical properties (such as structural, functional, and spatial information, amino acid conservation, physicochemical variation, residue mobility, and thermodynamic stability) performed at Invitae indicates that this missense variant is not expected to disrupt DCHS1 protein function. In summary, the available evidence is currently insufficient to determine the role of this variant in disease. Therefore, it has been classified as a Variant of Uncertain Significance.